The following is an entry in ClinVar:

NM_152384.3(BBS5):c.935G>A (p.Arg312His)

Gene: BBS5 (Bardet-Biedl syndrome 5; plus strand). Cytogenetic location: 2q31.1.
Variant type: single nucleotide variant.
Coding change: c.935G>A on transcript NM_152384.3 (MANE Select); coding-DNA position 935, G replaced by A.
Protein change: p.Arg312His; replaces arginine 312 with histidine.
Molecular consequence: missense variant.
Genome position (GRCh38, 1-based): chr2:169,504,491, G>A. VCF-style: chr2-169504491-G-A. GRCh37 (hg19) VCF-style: chr2-170361001-G-A.
Other names: short protein forms R312H.
Identifiers: ClinVar variation 933945 (VCV000933945.12), dbSNP rs751420732, ClinGen allele CA1956399.

ClinVar aggregate classification (germline): Uncertain significance. Review status: criteria provided, multiple submitters, no conflicts (2 of 4 stars). 6 submissions from 6 submitters: Uncertain significance (6). Last evaluated 2026-05-19.

Conditions:
BBS5-related disorder. Also called: BBS5-related condition.
Inborn genetic diseases. Identifiers: MedGen C0950123, MeSH D030342.
Bardet-Biedl syndrome 5 (BBS5). Identifiers: Orphanet 110, MedGen C3892039, MONDO:0014434, OMIM 615983.
Bardet-Biedl syndrome (BBS). Identifiers: Orphanet 110, MedGen C0752166, MONDO:0015229.

Allele frequency attached by ClinVar (database versions not stated): ExAC 0.00002; gnomAD 0.00002; TOPMed 0.00002; gnomAD exomes 0.00004.
gnomAD v4.1: 40 of 1,613,506 alleles (0.0025%); highest among the groups gnomAD compares: South Asian, 0.0077%; no homozygotes.

Submissions (6):

PreventionGenetics, part of Exact Sciences
Classification: Uncertain significance for BBS5-related condition. Last evaluated: 2026-05-19. Review status: criteria provided, single submitter. Criteria: ACMG Guidelines, 2015. Collection method: clinical testing. Allele origin: germline.
Comment: The BBS5 c.935G>A variant is predicted to result in the amino acid substitution p.Arg312His. To our knowledge, this variant has not been reported in the literature. This variant is reported in 0.058% of alleles in individuals of Ashkenazi Jewish descent in gnomAD. Although we suspect that this variant may be benign, at this time, the clinical significance of this variant is uncertain due to the absence of conclusive functional and genetic evidence.

GeneDx
Classification: Uncertain significance. Last evaluated: 2026-02-05. Review status: criteria provided, single submitter. Criteria: GeneDx Variant Classification Process June 2021. Collection method: clinical testing. Allele origin: germline.
Comment: In silico analysis supports that this missense variant has a deleterious effect on protein structure/function; Has not been previously published as pathogenic or benign to our knowledge

Ambry Genetics
Classification: Uncertain significance for Inborn genetic diseases. Last evaluated: 2025-10-07. Review status: criteria provided, single submitter. Criteria: Ambry Variant Classification Scheme 2023. Collection method: clinical testing. Allele origin: germline.

Labcorp Genetics (formerly Invitae), Labcorp
Classification: Uncertain significance for Bardet-Biedl syndrome. Last evaluated: 2025-01-06. Review status: criteria provided, single submitter. Criteria: Invitae Variant Classification Sherloc (09022015). Collection method: clinical testing. Allele origin: germline.
Comment: This sequence change replaces arginine, which is basic and polar, with histidine, which is basic and polar, at codon 312 of the BBS5 protein (p.Arg312His). This variant is present in population databases (rs751420732, gnomAD 0.05%). This variant has not been reported in the literature in individuals affected with BBS5-related conditions. ClinVar contains an entry for this variant (Variation ID: 933945). Invitae Evidence Modeling of protein sequence and biophysical properties (such as structural, functional, and spatial information, amino acid conservation, physicochemical variation, residue mobility, and thermodynamic stability) indicates that this missense variant is not expected to disrupt BBS5 protein function with a negative predictive value of 80%. In summary, the available evidence is currently insufficient to determine the role of this variant in disease. Therefore, it has been classified as a Variant of Uncertain Significance.

Fulgent Genetics
Classification: Uncertain significance for Bardet-Biedl syndrome 5. Last evaluated: 2024-06-20. Review status: criteria provided, single submitter. Criteria: ACMG Guidelines, 2015. Collection method: clinical testing. Allele origin: germline.

Blueprint Genetics
Classification: Uncertain significance. Last evaluated: 2022-12-13. Review status: criteria provided, single submitter. Criteria: ACMG Guidelines, 2015. Collection method: clinical testing. Allele origin: germline.